The following is an entry in ClinVar:

ClinVar aggregate classification (germline): Pathogenic. Review status: criteria provided, multiple submitters, no conflicts (2 of 4 stars). 8 submissions from 8 submitters: Pathogenic (6). 2 of the submissions do not count toward it. Last evaluated 2025-12-29.

Conditions:
NMNAT1-related disorder. Also called: NMNAT1-related condition.
Inborn genetic diseases. Identifiers: MedGen C0950123, MeSH D030342.
Leber congenital amaurosis 9 (LCA9). Also called: LCA 9; Amaurosis congenita of Leber, type 9; LCA9 Leber Congenital Amaurosis. Identifiers: Orphanet 65, MedGen C1837873, MONDO:0012056, OMIM 608553.

Allele frequency attached by ClinVar (database versions not stated): ExAC 0.00002; gnomAD exomes 0.00004; gnomAD 0.00011 and 0.00012; TOPMed 0.00012; ESP Exome Variant Server 0.00015.
gnomAD v4.1: 77 of 1,614,054 alleles (0.0048%); highest among the groups gnomAD compares: Admixed American, 0.017%; no homozygotes.

Submissions (8):

PreventionGenetics, part of Exact Sciences
Classification: Pathogenic for NMNAT1-related condition. Last evaluated: 2025-12-29. Review status: criteria provided, single submitter. Criteria: ACMG Guidelines, 2015. Collection method: clinical testing. Allele origin: germline.
Comment: The NMNAT1 c.507G>A variant is predicted to result in premature protein termination (p.Trp169*). This variant has been reported in the homozygous and compound heterozygous states in individuals with Leber congenital amaurosis (Chiang et al. 2012. PubMed ID: 22842231; Perrault et al. 2012. PubMed ID: 22842229; Koenekoop et al. 2012. PubMed ID: 22842230; Table S4, Stone et al. 2017. PubMed ID: 28559085). This variant has also been reported in the absence of a second NMNAT1 variant in an individual with macular atrophy with pigmentary clumping (Table S3, Perrault et al. 2012. PubMed ID: 22842229). This variant is reported in 0.0077% of alleles in individuals of European (Non-Finnish) descent in gnomAD. Nonsense variants in NMNAT1 are an established mechanism of disease. This variant is interpreted as pathogenic.

Labcorp Genetics (formerly Invitae), Labcorp
Classification: Pathogenic for Leber congenital amaurosis 9. Last evaluated: 2025-12-20. Review status: criteria provided, single submitter. Criteria: Invitae Variant Classification Sherloc (09022015). Collection method: clinical testing. Allele origin: germline.
Comment: This sequence change creates a premature translational stop signal (p.Trp169*) in the NMNAT1 gene. While this is not anticipated to result in nonsense mediated decay, it is expected to disrupt the last 111 amino acid(s) of the NMNAT1 protein. This variant is present in population databases (rs371526758, gnomAD 0.007%). This premature translational stop signal has been observed in individual(s) with Leber congenital amaurosis (PMID: 22842229, 22842230, 22842231, 29178642). In at least one individual the data is consistent with being in trans (on the opposite chromosome) from a pathogenic variant. ClinVar contains an entry for this variant (Variation ID: 265453). For these reasons, this variant has been classified as Pathogenic.

Variantyx, Inc.
Classification: Pathogenic for Leber congenital amaurosis 9. Last evaluated: 2025-10-02. Review status: criteria provided, single submitter. Criteria: Variantyx Assertion Criteria 2022. Collection method: clinical testing. Allele origin: germline. Inheritance: Autosomal recessive inheritance.
Comment: This is a nonsense variant in the NMNAT1 gene (OMIM: 608700). Pathogenic variants in this gene have been associated with autosomal recessive Leber congenital amaurosis 9. The alteration introduces a premature termination codon in exon 5 out of 5. and is expected to result in loss of function, which is a known disease mechanism for NMNAT1 in this disorder (PMID: 22842231) (PVS1). This variant has been identified in the homozygous or compound heterozygous state in at least 6 individuals reported in the published literature (PMID: 22842231, 22842229, 22842230) (PM3). This variant has a 0.0167% maximum allele frequency in non-founder control populations (PM2). Based on the current evidence, this variant is classified as pathogenic for autosomal recessive Leber congenital amaurosis 9.

Ambry Genetics
Classification: Pathogenic for Inborn genetic diseases. Last evaluated: 2024-06-24. Review status: criteria provided, single submitter. Criteria: Ambry Variant Classification Scheme 2023. Collection method: clinical testing. Allele origin: germline.
Comment: The c.507G>A (p.W169*) alteration, located in exon 5 (coding exon 4) of the NMNAT1 gene, consists of a G to A substitution at nucleotide position 507. This changes the amino acid from a tryptophan (W) to a stop codon at amino acid position 169. This alteration occurs at the 3' terminus of the NMNAT1 gene, is not expected to trigger nonsense-mediated mRNA decay, and only impacts the last 40% of the protein. However, premature stop codons are typically deleterious in nature, the impacted region is critical for protein function, and a significant portion of the protein is affected (Ambry internal data). Based on data from gnomAD, the A allele has an overall frequency of 0.004% (12/282830) total alleles studied. The highest observed frequency was 0.008% (10/129152) of European (non-Finnish) alleles. This variant has been identified in the homozygous state and/or in conjunction with other NMNAT1 variants in individuals with features consistent with NMNAT1-related retinopathy; in at least one instance, the variants were identified in trans (Koenekoop, 2012; Chiang, 2012; Perrault, 2012). Based on the available evidence, this alteration is classified as pathogenic.

Blueprint Genetics
Classification: Pathogenic for NMNAT1-related disorders. Last evaluated: 2022-11-06. Review status: criteria provided, single submitter. Criteria: ACMG Guidelines, 2015. Collection method: clinical testing. Allele origin: germline. Affected: yes. Observed: 5 variant alleles.

GeneDx
Classification: Pathogenic. Last evaluated: 2019-04-30. Review status: criteria provided, single submitter. Criteria: GeneDx Variant Classification Process June 2021. Collection method: clinical testing. Allele origin: germline. Affected: yes.
Comment: Nonsense variant in the C-terminus predicted to result in protein truncation, as the last 111 amino acids are lost, and other loss-of-function variants have been reported downstream in the Human Gene Mutation Database(Stenson et al., 2014); This variant is associated with the following publications: (PMID: 22842230, 22842231, 22842229, 29178642, 28559085, 31589614, 32865313)

OMIM
Classification: Pathogenic for LEBER CONGENITAL AMAUROSIS 9. Last evaluated: 2012-09-01. Review status: no assertion criteria provided. Collection method: literature only. Allele origin: germline. Not counted in ClinVar's aggregate classification.

Laboratory of Genetics in Ophthalmology, Institut Imagine
Classification: Pathogenic for Leber congenital amaurosis 9. Review status: no assertion criteria provided. Collection method: research. Allele origin: inherited. Affected: yes. Observed: 3 variant alleles. Not counted in ClinVar's aggregate classification.

Literature cited by the submitters: PubMed 22842229 (cited by 5 submitters); PubMed 22842230 (cited by 5 submitters); PubMed 22842231 (cited by 5 submitters); PubMed 29178642 (cited by Labcorp Genetics (formerly Invitae), Labcorp).

NM_022787.4(NMNAT1):c.507G>A (p.Trp169Ter)

Gene: NMNAT1 (nicotinamide nucleotide adenylyltransferase 1; plus strand). Cytogenetic location: 1p36.22.
Variant type: single nucleotide variant.
Coding change: c.507G>A on transcript NM_022787.4 (MANE Select); coding-DNA position 507, G replaced by A.
Protein change: p.Trp169Ter; replaces tryptophan 169 with a stop codon.
Molecular consequence: nonsense.
Genome position (GRCh38, 1-based): chr1:9,982,368, G>A. VCF-style: chr1-9982368-G-A. GRCh37 (hg19) VCF-style: chr1-10042426-G-A.
Other names: c.507G>A, p.Trp169Ter (NM_001297778.1); short protein forms W169*.
Identifiers: ClinVar variation 265453 (VCV000265453.17), dbSNP rs371526758, ClinGen allele CA579271.